The following is an entry in ClinVar:

NM_001367624.2(ZNF469):c.9316C>T (p.Arg3106Trp)

Gene: ZNF469 (zinc finger protein 469; plus strand). Cytogenetic location: 16q24.2.
Variant type: single nucleotide variant.
Coding change: c.9316C>T on transcript NM_001367624.2 (MANE Select); coding-DNA position 9316, C replaced by T.
Protein change: p.Arg3106Trp; replaces arginine 3106 with tryptophan.
Molecular consequence: missense variant.
Genome position (GRCh38, 1-based): chr16:88,436,786, C>T. VCF-style: chr16-88436786-C-T. GRCh37 (hg19) VCF-style: chr16-88503194-C-T.
Other names: NM_001127464.1:c.9232C>T; short protein forms R3106W.
Identifiers: ClinVar variation 452230 (VCV000452230.48), dbSNP rs1292941352, ClinGen allele CA397121818.

ClinVar aggregate classification (germline): Conflicting classifications of pathogenicity. Review status: criteria provided, conflicting classifications (1 of 4 stars). 4 submissions from 4 submitters: Uncertain significance (3); Likely benign (1). Last evaluated 2025-06-01.

Conditions:
Brittle cornea syndrome 1 (BCS1). Also called: Corneal fragility keratoglobus, blue sclerae AND joint hypermobility; CORNEAL FRAGILITY, KERATOGLOBUS, BLUE SCLERAE, JOINT HYPEREXTENSIBILITY; DYSGENESIS MESODERMALIS CORNEAE ET SCLERAE; EDS6B; FRAGILITAS OCULI WITH JOINT HYPEREXTENSIBILITY. Identifiers: Orphanet 90354, MedGen C0268344, MONDO:0024543, OMIM 229200.
Cardiovascular phenotype. Identifiers: MedGen CN230736.

Allele frequency attached by ClinVar (database versions not stated): gnomAD 0.00001; gnomAD exomes 0.00001; TOPMed 0.00001.
gnomAD v4.1: 9 of 1,544,642 alleles (0.00058%); highest among the groups gnomAD compares: Admixed American, 0.002%; no homozygotes.

Submissions (4):

Labcorp Genetics (formerly Invitae), Labcorp
Classification: Uncertain significance. Last evaluated: 2025-06-01. Review status: criteria provided, single submitter. Criteria: Invitae Variant Classification Sherloc (09022015). Collection method: clinical testing. Allele origin: germline.
Comment: This sequence change replaces arginine, which is basic and polar, with tryptophan, which is neutral and slightly polar, at codon 3078 of the ZNF469 protein (p.Arg3078Trp). This variant is present in population databases (no rsID available, gnomAD 0.004%). This variant has not been reported in the literature in individuals affected with ZNF469-related conditions. ClinVar contains an entry for this variant (Variation ID: 452230). An algorithm developed to predict the effect of missense changes on protein structure and function (PolyPhen-2) suggests that this variant is likely to be disruptive. In summary, the available evidence is currently insufficient to determine the role of this variant in disease. Therefore, it has been classified as a Variant of Uncertain Significance.

Ambry Genetics
Classification: Likely benign for Cardiovascular phenotype. Last evaluated: 2024-07-30. Review status: criteria provided, single submitter. Criteria: Ambry Variant Classification Scheme 2023. Collection method: clinical testing. Allele origin: germline.

Fulgent Genetics
Classification: Uncertain significance for Brittle cornea syndrome 1. Last evaluated: 2021-09-03. Review status: criteria provided, single submitter. Criteria: ACMG Guidelines, 2015. Collection method: clinical testing. Allele origin: unknown.

GeneDx
Classification: Uncertain significance. Last evaluated: 2019-10-16. Review status: criteria provided, single submitter. Criteria: GeneDx Variant Classification Process June 2021. Collection method: clinical testing. Allele origin: germline. Affected: yes.
Comment: Not observed at a significant frequency in large population cohorts (Lek et al., 2016); In silico analysis, which includes protein predictors and evolutionary conservation, supports that this variant does not alter protein structure/function; Has not been previously published as pathogenic or benign to our knowledge